The following is an entry in ClinVar:

ClinVar aggregate classification (germline): Likely benign. Review status: criteria provided, single submitter (1 of 4 stars). 2 submissions from 2 submitters: Likely benign (1). 1 of the submissions does not count toward it. Last evaluated 2025-12-26.

Conditions:
DMXL2-related disorder. Also called: DMXL2-related condition.

Allele frequency attached by ClinVar (database versions not stated): ExAC 0.00002.
gnomAD v4.1: 48 of 1,613,806 alleles (0.003%); highest among the groups gnomAD compares: Non-Finnish European, 0.004%; no homozygotes.

Submissions (2):

Labcorp Genetics (formerly Invitae), Labcorp
Classification: Likely benign. Last evaluated: 2025-12-26. Review status: criteria provided, single submitter. Criteria: Invitae Variant Classification Sherloc (09022015). Collection method: clinical testing. Allele origin: germline.

PreventionGenetics, part of Exact Sciences
Classification: Likely benign for DMXL2-related condition. Last evaluated: 2019-05-09. Review status: no assertion criteria provided. Collection method: clinical testing. Allele origin: germline. Not counted in ClinVar's aggregate classification.
Comment: This variant is classified as likely benign based on ACMG/AMP sequence variant interpretation guidelines (Richards et al. 2015 PMID: 25741868, with internal and published modifications).

NM_001378457.1(DMXL2):c.5847C>G (p.Gly1949=)

Gene: DMXL2 (Dmx like 2; minus strand). Cytogenetic location: 15q21.2.
Variant type: single nucleotide variant.
Coding change: c.5847C>G on transcript NM_001378457.1 (MANE Select); coding-DNA position 5847, C replaced by G.
Protein change: p.Gly1949=; no amino-acid change (glycine 1949 retained).
Molecular consequence: synonymous variant. On other transcripts: non-coding transcript variant (2).
Genome position (GRCh38, 1-based): chr15:51,481,259, G>C on the plus strand (C>G on the coding strand, the complement: DMXL2 is on the minus strand). VCF-style: chr15-51481259-G-C. GRCh37 (hg19) VCF-style: chr15-51773456-G-C.
Other names: c.5847C>G, p.Gly1949= (NM_001174116.3, NM_001378458.1, NM_001378459.1 and 4 more transcripts); c.3939C>G, p.Gly1313= (NM_001174117.3); c.3828C>G, p.Gly1276= (NM_001378460.1); c.5607C>G, p.Gly1869= (NM_001378464.1); c.5847C>G (NM_001174116.1).
Identifiers: ClinVar variation 2890056 (VCV002890056.5), dbSNP rs563188842, ClinGen allele CA7561730.
Genomic context (GRCh38, chr15:51,481,259, plus strand): 5'-AACTTTTACTATTGGCTGACTCCAGTCATACTGTGATGAAGTTACATTTGACCATTCAAT[G>C]CCAGAACTTCCATTGCCATCACTCAGAGCTTTTGAATGTGAAGGTACATCATCCATCCTG-3'
Protein context (NP_001365386.1, residues 1939-1959): KALSDGNGSS[Gly1949=]IEWSNVTSSQ